The following is an entry in ClinVar:

ClinVar aggregate classification (germline): not provided (0 of 4 stars; one submission).

Conditions:
Familial long QT syndrome (RWS). Also called: Congenital long QT syndrome; Romano-Ward syndrome; VENTRICULAR FIBRILLATION WITH PROLONGED QT INTERVAL. Identifiers: Orphanet 768, MedGen C1141890, MONDO:0019171.

Submission:

Cardiovascular Biomedical Research Unit, Royal Brompton & Harefield NHS Foundation Trust
No classification provided. Condition: Familial long QT syndrome. Review status: no classification provided. Collection method: literature only. Allele origin: germline.
Comment: This variant has been reported as associated with Long QT syndrome in the following publications (PMID:16414944;PMID:19716085). This is a literature report, and does not necessarily reflect the clinical interpretation of the Imperial College / Royal Brompton Cardiovascular Genetics laboratory.

Literature cited by the submitters: PubMed 16414944; PubMed 19716085; PubMed 22581653.

NM_000218.3(KCNQ1):c.1052T>C (p.Phe351Ser)

Gene: KCNQ1 (potassium voltage-gated channel subfamily Q member 1; plus strand). Cytogenetic location: 11p15.5.
Variant type: single nucleotide variant.
Coding change: c.1052T>C on transcript NM_000218.3 (MANE Select); coding-DNA position 1052, T replaced by C.
Protein change: p.Phe351Ser; replaces phenylalanine 351 with serine.
Molecular consequence: missense variant.
Genome position (GRCh38, 1-based): chr11:2,585,231, T>C. VCF-style: chr11-2585231-T-C. GRCh37 (hg19) VCF-style: chr11-2606461-T-C.
Other names: c.1052T>C (LRG_287t1); c.782T>C, p.Phe261Ser (NM_001406837.1); c.671T>C, p.Phe224Ser (NM_181798.2); short protein forms F351S, F224S, F261S.
Identifiers: ClinVar variation 52944 (VCV000052944.3), dbSNP rs199473402, ClinGen allele CA005110.
Genomic context (GRCh38, chr11:2,585,231, plus strand): 5'-TGGCCTGTGTGGACGGGAGCCTCCTGTCCATTCCTTCCCAGGGGATTCTTGGCTCGGGGT[T>C]TGCCCTGAAGGTGCAGCAGAAGCAGAGGCAGAAGCACTTCAACCGGCAGATCCCGGCGGC-3'
Protein context (NP_000209.2, residues 341-361): ALPAGILGSG[Phe351Ser]ALKVQQKQRQ